The following is an entry in ClinVar:

NM_033400.3(ZFHX2):c.7586G>A (p.Gly2529Asp)

Genes: THTPA (thiamine triphosphatase; plus strand), ZFHX2 (zinc finger homeobox 2; minus strand). Cytogenetic location: 14q11.2.
Variant type: single nucleotide variant.
Coding change: c.7586G>A on transcript NM_033400.3 (MANE Select); coding-DNA position 7586, G replaced by A.
Protein change: p.Gly2529Asp; replaces glycine 2529 with aspartic acid.
Molecular consequence: missense variant.
Genome position (GRCh38, 1-based): chr14:23,522,095, C>T on the plus strand (G>A on the coding strand, the complement: ZFHX2 is on the minus strand). VCF-style: chr14-23522095-C-T. GRCh37 (hg19) VCF-style: chr14-23991304-C-T.
Other names: c.7586G>A (NM_033400.2); short protein forms G2529D.
Identifiers: ClinVar variation 2578713 (VCV002578713.27), dbSNP rs575221770, ClinGen allele CA7116761.
Genomic context (GRCh38, chr14:23,522,095, plus strand): 5'-TTGGCAAAAGCCACAGCAGCCGAGGCAGCAGTGGCGGCGTTGGTGATGGAGATGGGTGGG[C>T]CCCCTTGAGGTGGGGCTGCCTTGCGCCTGTGGGCCGAGGAGCGCAGGTGGGAGGCTAGGG-3'
Protein context (NP_207646.2, residues 2519-2539): HRRKAAPPQG[Gly2529Asp]PPISITNAAT

ClinVar aggregate classification (germline): Conflicting classifications of pathogenicity. Review status: criteria provided, conflicting classifications (1 of 4 stars). 4 submissions from 4 submitters: Uncertain significance (1); Benign (1); Likely benign (1). 1 of the submissions does not count toward it. Last evaluated 2026-01-01.

Conditions:
ZFHX2-related disorder. Also called: ZFHX2-related condition.

Allele frequency attached by ClinVar (database versions not stated): 1000 Genomes Project 30x 0.00016; 1000 Genomes Project 0.00040; ExAC 0.00047; gnomAD 0.00130; TOPMed 0.00142; gnomAD exomes 0.00253.
gnomAD v4.1: 3,664 of 1,535,628 alleles (0.24%); highest among the groups gnomAD compares: Non-Finnish European, 0.3%; 7 homozygotes.

Submissions (4):

CeGaT Center for Human Genetics Tuebingen
Classification: Benign. Last evaluated: 2026-01-01. Review status: criteria provided, single submitter. Criteria: CeGaT Center For Human Genetics Tuebingen Variant Classification Criteria Version 2. Collection method: clinical testing. Allele origin: germline. Affected: yes. Observed: 8 variant alleles.
Comment: ZFHX2: BP4, BS1, BS2

Ambry Genetics
Classification: Uncertain significance. Last evaluated: 2025-12-03. Review status: criteria provided, single submitter. Criteria: Ambry Variant Classification Scheme 2023. Collection method: clinical testing. Allele origin: germline.

Blueprint Genetics
Classification: Likely benign. Last evaluated: 2024-11-19. Review status: criteria provided, single submitter. Criteria: ACMG Guidelines, 2015. Collection method: clinical testing. Allele origin: germline.

PreventionGenetics, part of Exact Sciences
Classification: Likely benign for ZFHX2-related condition. Last evaluated: 2019-02-28. Review status: no assertion criteria provided. Collection method: clinical testing. Allele origin: germline. Not counted in ClinVar's aggregate classification.
Comment: This variant is classified as likely benign based on ACMG/AMP sequence variant interpretation guidelines (Richards et al. 2015 PMID: 25741868, with internal and published modifications).